The following is an entry in ClinVar:

NM_001042492.3(NF1):c.4992del (p.Val1665fs)

Gene: NF1 (neurofibromin 1; plus strand). Cytogenetic location: 17q11.2.
Variant type: Deletion.
Coding change: c.4992del on transcript NM_001042492.3 (MANE Select); coding-DNA position 4992, one base deleted (T; older notation c.4992delT).
Protein change: p.Val1665fs; shifts the reading frame from valine 1665.
Molecular consequence: frameshift variant.
Genome position (GRCh38, 1-based): chr17:31,325,976, T deleted; the last of 2 consecutive T bases (chr17:31,325,975-31,325,976); deleting either gives the same sequence. VCF-style (leftmost placement, unchanged base first): chr17-31325974-GT-G. GRCh37 (hg19) VCF-style: chr17-29652992-GT-G.
Other names: c.4929delT, p.Val1644Phefs (NM_000267.4); short protein forms V1644fs, V1665fs.
Identifiers: ClinVar variation 2865767 (VCV002865767.3), dbSNP rs2508695862, ClinGen allele CA2739267457.

ClinVar aggregate classification (germline): Pathogenic (1 of 4 stars; one submission).

Conditions:
Neurofibromatosis, type 1 (NF1). Also called: Neurofibromatosis, type I; NEUROFIBROMATOSIS, TYPE I, SOMATIC; Peripheral type neurofibromatosis; VON RECKLINGHAUSEN DISEASE. Identifiers: Orphanet 636, MedGen C0027831, MONDO:0018975, OMIM 162200. Disease mechanism: loss of function.

Submission:

Labcorp Genetics (formerly Invitae), Labcorp
Classification: Pathogenic for Neurofibromatosis, type 1. Last evaluated: 2023-05-19. Review status: criteria provided, single submitter. Criteria: Invitae Variant Classification Sherloc (09022015). Collection method: clinical testing. Allele origin: germline.
Comment: This sequence change creates a premature translational stop signal (p.Val1644Phefs*33) in the NF1 gene. It is expected to result in an absent or disrupted protein product. Loss-of-function variants in NF1 are known to be pathogenic (PMID: 10712197, 23913538). This variant is not present in population databases (gnomAD no frequency). This variant has not been reported in the literature in individuals affected with NF1-related conditions. For these reasons, this variant has been classified as Pathogenic.

Literature cited by the submitters: PubMed 10712197; PubMed 23913538.